The following is an entry in ClinVar:

NM_145728.3(SYNM):c.213G>C (p.Leu71=)

Genes: SYNM-AS1 (SYNM antisense RNA 1; minus strand), SYNM (synemin; plus strand), LOC130058014 (ATAC-STARR-seq lymphoblastoid silent region 6864; plus strand). Cytogenetic location: 15q26.3.
Variant type: single nucleotide variant.
Coding change: c.213G>C on transcript NM_145728.3 (MANE Select); coding-DNA position 213, G replaced by C.
Protein change: p.Leu71=; no amino-acid change (leucine 71 retained).
Molecular consequence: synonymous variant.
Genome position (GRCh38, 1-based): chr15:99,105,412, G>C. VCF-style: chr15-99105412-G-C. GRCh37 (hg19) VCF-style: chr15-99645618-G-C.
Other names: c.213G>C, p.Leu71= (NM_015286.6).
Identifiers: ClinVar variation 4993128 (VCV004993128.1).
Genomic context (GRCh38, chr15:99,105,412, plus strand): 5'-CCTGTGGGCCGAGGGGCAGGCCCGCTGCGCCGAGGAGGCGCGCAGCTTGCGGCAGCAGCT[G>C]GACGAGCTGAGCTGGGCCACTGCGCTGGCGGAGGGCGAGCGGGACGCTCTGCGGCGCGAG-3'
Protein context (NP_663780.2, residues 61-81): AEEARSLRQQ[Leu71=]DELSWATALA

ClinVar aggregate classification (germline): Likely benign (1 of 4 stars; one submission).

Conditions:
SYNM-related disorder. Also called: SYNM-related condition.

gnomAD v4.1: 8 of 1,508,522 alleles (0.00053%); highest among the groups gnomAD compares: Non-Finnish European, 0.00062%; no homozygotes.

Submission:

PreventionGenetics, part of Exact Sciences
Classification: Likely benign for SYNM-related condition. Last evaluated: 2025-09-02. Review status: criteria provided, single submitter. Criteria: ACMG Guidelines, 2015. Collection method: clinical testing. Allele origin: germline.
Comment: This variant is classified as likely benign based on ACMG/AMP sequence variant interpretation guidelines (Richards et al. 2015 PMID: 25741868, with internal and published modifications).